The following is an entry in ClinVar:

NM_001358530.2(MOCS1):c.982-3T>C

Gene: MOCS1 (molybdenum cofactor synthesis 1; minus strand). Cytogenetic location: 6p21.2.
Variant type: single nucleotide variant.
Coding change: c.982-3T>C on transcript NM_001358530.2 (MANE Select); 3 bases into the intron before coding-DNA position 982, T replaced by C.
Molecular consequence: intron variant.
Genome position (GRCh38, 1-based): chr6:39,909,958, A>G on the plus strand (T>C on the coding strand, the complement: MOCS1 is on the minus strand). VCF-style: chr6-39909958-A-G. GRCh37 (hg19) VCF-style: chr6-39877702-A-G.
Other names: c.982-3T>C (NM_005943.5, NM_001358529.2, NM_001075098.4 and 1 more transcripts); c.721-3T>C (NM_001358531.2, NM_001358533.2, NM_001358534.2).
Identifiers: ClinVar variation 1447887 (VCV001447887.4), dbSNP rs1248247549, ClinGen allele CA566708614.
Genomic context (GRCh38, chr6:39,909,958, plus strand): 5'-AGGCCCCAGCTCGCAGGTGATCCCGCAGGGATACCTCAGAGTTTCCAAAGAGGCAGACCT[A>G]CATGTGGGTGAGGACAATATGCCTTCCTTACCCCTGAGCCTTGGCCTCCTGGCCTCTGAG-3'

ClinVar aggregate classification (germline): Uncertain significance. Review status: criteria provided, multiple submitters, no conflicts (2 of 4 stars). 2 submissions from 2 submitters: Uncertain significance (2). Last evaluated 2023-09-05.

Conditions:
Sulfite oxidase deficiency due to molybdenum cofactor deficiency type A. Also called: Molybdenum cofactor deficiency, complementation group A; Molybdenum Cofactor Deficiency A. Identifiers: Orphanet 308386, Orphanet 833, MedGen C1854988, MONDO:0009643, OMIM 252150.

Allele frequency attached by ClinVar (database versions not stated): gnomAD exomes below 0.00001.
gnomAD v4.1: 3 of 1,613,210 alleles (0.00019%); highest among the groups gnomAD compares: Non-Finnish European, 0.00025%; no homozygotes.

Submissions (2):

Revvity Omics, Revvity
Classification: Uncertain significance for Sulfite oxidase deficiency due to molybdenum cofactor deficiency type A. Last evaluated: 2023-09-05. Review status: criteria provided, single submitter. Criteria: ACMG Guidelines, 2015. Collection method: clinical testing. Allele origin: germline.

Labcorp Genetics (formerly Invitae), Labcorp
Classification: Uncertain significance for Sulfite oxidase deficiency due to molybdenum cofactor deficiency type A. Last evaluated: 2022-02-04. Review status: criteria provided, single submitter. Criteria: Invitae Variant Classification Sherloc (09022015). Collection method: clinical testing. Allele origin: germline.
Comment: This sequence change falls in intron 8 of the MOCS1 gene. It does not directly change the encoded amino acid sequence of the MOCS1 protein. It affects a nucleotide within the consensus splice site. This variant is not present in population databases (gnomAD no frequency). This variant has not been reported in the literature in individuals affected with MOCS1-related conditions. Variants that disrupt the consensus splice site are a relatively common cause of aberrant splicing (PMID: 17576681, 9536098). Algorithms developed to predict the effect of sequence changes on RNA splicing suggest that this variant is not likely to affect RNA splicing. In summary, the available evidence is currently insufficient to determine the role of this variant in disease. Therefore, it has been classified as a Variant of Uncertain Significance.

Literature cited by the submitters: PubMed 17576681 (cited by Labcorp Genetics (formerly Invitae), Labcorp); PubMed 9536098 (cited by Labcorp Genetics (formerly Invitae), Labcorp).